The following is an entry in ClinVar:

ClinVar aggregate classification (germline): Pathogenic (1 of 4 stars; one submission).

Conditions:
Usher syndrome type 1 (USH1). Also called: RETINITIS PIGMENTOSA AND CONGENITAL DEAFNESS. Identifiers: Orphanet 231169, Orphanet 886, MedGen C1568247, MONDO:0010168, OMIM 276900.

Submission:

Myriad Genetics, Inc.
Classification: Pathogenic for Usher syndrome type 1. Last evaluated: 2023-09-27. Review status: criteria provided, single submitter. Criteria: Myriad Autosomal Dominant, Autosomal Recessive and X-Linked Classification Criteria (2023). Collection method: clinical testing. Allele origin: unknown.
Comment: NM_000260.3(MYO7A):c.3013dupG(A1005Gfs*26) is expected to be pathogenic in the context of MYO7A-related disorders. This variant is predicted to lead to an abnormal or absent protein product due to the creation of a premature termination codon in MYO7A, a gene where loss-of-function variants are known to be pathogenic. Please note: this variant was assessed in the context of healthy population screening.

NM_000260.4(MYO7A):c.3013dup (p.Ala1005fs)

Gene: MYO7A (myosin VIIA; plus strand). Cytogenetic location: 11q13.5.
Variant type: Duplication.
Coding change: c.3013dup on transcript NM_000260.4 (MANE Select); coding-DNA position 3013, one base duplicated (G; older notation c.3013dupG).
Protein change: p.Ala1005fs; shifts the reading frame from alanine 1005.
Molecular consequence: frameshift variant.
Genome position (GRCh38, 1-based): chr11:77,182,059, G duplicated. VCF-style (leftmost placement, unchanged base first): chr11-77182058-C-CG. GRCh37 (hg19) VCF-style: chr11-76893104-C-CG.
Other names: c.3013dup, p.Ala1005fs (NM_001127180.2); c.2980dup, p.Ala994fs (NM_001369365.1); short protein forms A1005fs, A994fs.
Identifiers: ClinVar variation 5012036 (VCV005012036.1).